The following is an entry in ClinVar:

NM_001378328.1(CELSR1):c.477G>T (p.Pro159=)

Gene: CELSR1 (cadherin EGF LAG seven-pass G-type receptor 1; minus strand). Cytogenetic location: 22q13.31.
Variant type: single nucleotide variant.
Coding change: c.477G>T on transcript NM_001378328.1 (MANE Select); coding-DNA position 477, G replaced by T.
Protein change: p.Pro159=; no amino-acid change (proline 159 retained).
Molecular consequence: synonymous variant.
Genome position (GRCh38, 1-based): chr22:46,536,694, C>A on the plus strand (G>T on the coding strand, the complement: CELSR1 is on the minus strand). VCF-style: chr22-46536694-C-A. GRCh37 (hg19) VCF-style: chr22-46932591-C-A.
Other names: c.477G>T, p.Pro159= (NM_014246.4).
Identifiers: ClinVar variation 2653346 (VCV002653346.25), dbSNP rs770876575, ClinGen allele CA10295669.

ClinVar aggregate classification (germline): Benign/Likely benign. Review status: criteria provided, multiple submitters, no conflicts (2 of 4 stars). 2 submissions from 2 submitters: Benign (1); Likely benign (1). Last evaluated 2024-10-21.

Allele frequency attached by ClinVar (database versions not stated): gnomAD exomes 0.00035; gnomAD 0.00046; 1000 Genomes Project 30x 0.00047; TOPMed 0.00059.
gnomAD v4.1: 438 of 1,149,100 alleles (0.038%); highest among the groups gnomAD compares: Middle Eastern, 0.29%; no homozygotes.

Submissions (2):

Blueprint Genetics
Classification: Likely benign. Last evaluated: 2024-10-21. Review status: criteria provided, single submitter. Criteria: ACMG Guidelines, 2015. Collection method: clinical testing. Allele origin: germline.

CeGaT Center for Human Genetics Tuebingen
Classification: Benign. Last evaluated: 2022-09-01. Review status: criteria provided, single submitter. Criteria: CeGaT Center For Human Genetics Tuebingen Variant Classification Criteria Version 2. Collection method: clinical testing. Allele origin: germline. Affected: yes. Observed: 1 variant allele.
Comment: CELSR1: BS1, BS2